The following is an entry in ClinVar:

ClinVar aggregate classification (germline): Uncertain significance (1 of 4 stars; one submission).

gnomAD v4.1: 1 of 1,614,202 alleles (0.000062%); highest among the groups gnomAD compares: Non-Finnish European, 0.000085%; no homozygotes.

Submission:

CeGaT Center for Human Genetics Tuebingen
Classification: Uncertain significance. Last evaluated: 2026-02-01. Review status: criteria provided, single submitter. Criteria: CeGaT Center For Human Genetics Tuebingen Variant Classification Criteria Version 2. Collection method: clinical testing. Allele origin: germline. Affected: yes. Observed: 1 variant allele.
Comment: CNTNAP2: PM2

NM_014141.6(CNTNAP2):c.498G>T (p.Trp166Cys)

Gene: CNTNAP2 (contactin associated protein 2; plus strand). Cytogenetic location: 7q35.
Variant type: single nucleotide variant.
Coding change: c.498G>T on transcript NM_014141.6 (MANE Select); coding-DNA position 498, G replaced by T.
Protein change: p.Trp166Cys; replaces tryptophan 166 with cysteine.
Molecular consequence: missense variant.
Genome position (GRCh38, 1-based): chr7:147,044,002, G>T. VCF-style: chr7-147044002-G-T. GRCh37 (hg19) VCF-style: chr7-146741094-G-T.
Other names: short protein forms W166C.
Identifiers: ClinVar variation 4823450 (VCV004823450.4).